The following is an entry in ClinVar:

ClinVar aggregate classification (germline): Uncertain significance (1 of 4 stars; one submission).

gnomAD v4.1: 2 of 1,602,914 alleles (0.00012%); highest among the groups gnomAD compares: Middle Eastern, 0.017%; no homozygotes.

Submission:

Labcorp Genetics (formerly Invitae), Labcorp
Classification: Uncertain significance. Last evaluated: 2025-09-10. Review status: criteria provided, single submitter. Criteria: Invitae Variant Classification Sherloc (09022015). Collection method: clinical testing. Allele origin: germline.
Comment: This sequence change replaces glutamine, which is neutral and polar, with histidine, which is basic and polar, at codon 252 of the APOA5 protein (p.Gln252His). This variant is present in population databases (no rsID available, gnomAD no frequency). This missense change has been observed in individual(s) with elevated triglycerides (PMID: 21993410). An algorithm developed to predict the effect of missense changes on protein structure and function outputs the following: PolyPhen-2: "Benign". The histidine amino acid residue is found in multiple mammalian species, which suggests that this missense change does not adversely affect protein function. In summary, the available evidence is currently insufficient to determine the role of this variant in disease. Therefore, it has been classified as a Variant of Uncertain Significance.

Literature cited by the submitters: PubMed 21993410.

NM_001371904.1(APOA5):c.756G>C (p.Gln252His)

Gene: APOA5 (apolipoprotein A5; minus strand). Cytogenetic location: 11q23.3.
Variant type: single nucleotide variant.
Coding change: c.756G>C on transcript NM_001371904.1 (MANE Select); coding-DNA position 756, G replaced by C.
Protein change: p.Gln252His; replaces glutamine 252 with histidine.
Molecular consequence: missense variant.
Genome position (GRCh38, 1-based): chr11:116,790,473, C>G on the plus strand (G>C on the coding strand, the complement: APOA5 is on the minus strand). VCF-style: chr11-116790473-C-G. GRCh37 (hg19) VCF-style: chr11-116661189-C-G.
Other names: c.756G>C, p.Gln252His (NM_001166598.2, NM_052968.5); short protein forms Q252H.
Identifiers: ClinVar variation 4709889 (VCV004709889.1).